The following is an entry in ClinVar:

ClinVar aggregate classification (germline): Uncertain significance (1 of 4 stars; one submission).

Conditions:
Peroxisome biogenesis disorder, complementation group K (CGK). Identifiers: MedGen C1866257, MONDO:0800365.

Allele frequency attached by ClinVar (database versions not stated): gnomAD exomes below 0.00001; TOPMed below 0.00001.
gnomAD v4.1: 1 of 1,613,958 alleles (0.000062%); highest among the groups gnomAD compares: African/African-American, 0.0013%; no homozygotes.

Submission:

Labcorp Genetics (formerly Invitae), Labcorp
Classification: Uncertain significance for Peroxisome biogenesis disorder, complementation group K. Last evaluated: 2021-11-01. Review status: criteria provided, single submitter. Criteria: Invitae Variant Classification Sherloc (09022015). Collection method: clinical testing. Allele origin: germline.
Comment: In summary, the available evidence is currently insufficient to determine the role of this variant in disease. Therefore, it has been classified as a Variant of Uncertain Significance. Algorithms developed to predict the effect of missense changes on protein structure and function are either unavailable or do not agree on the potential impact of this missense change (SIFT: "Tolerated"; PolyPhen-2: "Possibly Damaging"; Align-GVGD: "Class C0"). This variant has not been reported in the literature in individuals affected with PEX14-related conditions. This variant is not present in population databases (gnomAD no frequency). This sequence change replaces aspartic acid, which is acidic and polar, with asparagine, which is neutral and polar, at codon 141 of the PEX14 protein (p.Asp141Asn).

NM_004565.3(PEX14):c.421G>A (p.Asp141Asn)

Gene: PEX14 (peroxisomal biogenesis factor 14; plus strand). Cytogenetic location: 1p36.22.
Variant type: single nucleotide variant.
Coding change: c.421G>A on transcript NM_004565.3 (MANE Select); coding-DNA position 421, G replaced by A.
Protein change: p.Asp141Asn; replaces aspartic acid 141 with asparagine.
Molecular consequence: missense variant.
Genome position (GRCh38, 1-based): chr1:10,623,055, G>A. VCF-style: chr1-10623055-G-A. GRCh37 (hg19) VCF-style: chr1-10683112-G-A.
Other names: short protein forms D141N.
Identifiers: ClinVar variation 1381854 (VCV001381854.6), dbSNP rs1641641278, ClinGen allele CA338333292.
Genomic context (GRCh38, chr1:10,623,055, plus strand): 5'-CTCACCCTGTCCCGCTTCTTGCAGAAATACCTGCTCCCCCTCATCCTGGGCGGCCGAGAG[G>A]ACAGAAAGCAGCTGGAGAGGATGGAGGCCGGTCTCTCTGAGCTGAGTGGCAGCGTGGCCC-3'
Protein context (NP_004556.1, residues 131-151): LLPLILGGRE[Asp141Asn]RKQLERMEAG